The following is an entry in ClinVar:

ClinVar aggregate classification (germline): Uncertain significance. Review status: criteria provided, multiple submitters, no conflicts (2 of 4 stars). 8 submissions from 8 submitters: Uncertain significance (7). 1 of the submissions does not count toward it. Last evaluated 2025-12-05.

Conditions:
Alagille syndrome due to a NOTCH2 point mutation. Also called: Alagille syndrome 2. Identifiers: Orphanet 261629, Orphanet 52, MedGen C1857761, MONDO:0012439, OMIM 610205.
Hajdu-Cheney syndrome (HJCYS). Also called: Acroosteolysis dominant type; SERPENTINE FIBULA-POLYCYSTIC KIDNEY SYNDROME; ACROOSTEOLYSIS WITH OSTEOPOROSIS AND CHANGES IN SKULL AND MANDIBLE. Identifiers: Orphanet 955, MedGen C0917715, MONDO:0007057, OMIM 102500.
NOTCH2-related disorder. Also called: NOTCH2-related condition.
Congenital anomaly of kidney and urinary tract. Also called: Congenital anomalies of the kidney and urinary tract; Congenital anomalies of kidney and urinary tract. Identifiers: Orphanet 93545, MedGen C1968949, MeSH C566906, MONDO:0019719.

Allele frequency attached by ClinVar (database versions not stated): gnomAD 0.00004; gnomAD exomes 0.00004; TOPMed 0.00004; ExAC 0.00005; ESP Exome Variant Server 0.00008.
gnomAD v4.1: 63 of 1,613,990 alleles (0.0039%); highest among the groups gnomAD compares: East Asian, 0.011%; no homozygotes.

Submissions (8):

Labcorp Genetics (formerly Invitae), Labcorp
Classification: Uncertain significance for Hajdu-Cheney syndrome. Last evaluated: 2025-12-05. Review status: criteria provided, single submitter. Criteria: Invitae Variant Classification Sherloc (09022015). Collection method: clinical testing. Allele origin: germline.
Comment: This sequence change replaces arginine, which is basic and polar, with histidine, which is basic and polar, at codon 2256 of the NOTCH2 protein (p.Arg2256His). This variant is present in population databases (rs148759277, gnomAD 0.01%). This missense change has been observed in individual(s) with clinical features of NOTCH2-related conditions (PMID: 30143558). ClinVar contains an entry for this variant (Variation ID: 499864). Invitae Evidence Modeling of protein sequence and biophysical properties (such as structural, functional, and spatial information, amino acid conservation, physicochemical variation, residue mobility, and thermodynamic stability) indicates that this missense variant is not expected to disrupt NOTCH2 protein function with a negative predictive value of 80%. In summary, the available evidence is currently insufficient to determine the role of this variant in disease. Therefore, it has been classified as a Variant of Uncertain Significance.

Fulgent Genetics
Classification: Uncertain significance for Hajdu-Cheney syndrome; Alagille syndrome due to a NOTCH2 point mutation. Last evaluated: 2024-05-06. Review status: criteria provided, single submitter. Criteria: ACMG Guidelines, 2015. Collection method: clinical testing. Allele origin: germline.

Blueprint Genetics
Classification: Uncertain significance. Last evaluated: 2024-02-28. Review status: criteria provided, single submitter. Criteria: ACMG Guidelines, 2015. Collection method: clinical testing. Allele origin: germline.

CeGaT Center for Human Genetics Tuebingen
Classification: Uncertain significance. Last evaluated: 2020-07-01. Review status: criteria provided, single submitter. Criteria: CeGaT Center For Human Genetics Tuebingen Variant Classification Criteria Version 2. Collection method: clinical testing. Allele origin: germline. Affected: yes. Observed: 2 variant alleles.

Broad Center for Mendelian Genomics, Broad Institute of MIT and Harvard
Classification: Uncertain significance for Congenital anomaly of kidney and urinary tract. Last evaluated: 2020-05-28. Review status: criteria provided, single submitter. Criteria: ACMG Guidelines, 2015. Collection method: research. Allele origin: germline. Inheritance: Autosomal dominant inheritance.
Comment: It is of note that reduced penetrance has been previously described in CAKUT (PMID: 29293093). Although this variant has been seen in the general population, its frequency is not high enough to rule out a pathogenic role. Computational prediction tools and conservation analyses do not provide strong support for or against an impact to the protein. In summary, the clinical significance of the p.Arg2256His variant is uncertain. ACMG/AMP Criteria applied: none (Richards 2015).

Baylor Genetics
Classification: Uncertain significance for Hajdu-Cheney syndrome. Last evaluated: 2018-09-26. Review status: criteria provided, single submitter. Criteria: ACMG Guidelines, 2015. Collection method: clinical testing. Allele origin: maternal. Affected: yes.
Comment: This variant was determined to be of uncertain significance according to ACMG Guidelines, 2015 [PMID:25741868].

Eurofins Ntd Llc (ga)
Classification: Uncertain significance. Last evaluated: 2017-10-05. Review status: criteria provided, single submitter. Criteria: EGL Classification Definitions 2015. Collection method: clinical testing. Allele origin: germline. Observed: 2 variant alleles, 2 heterozygotes.

PreventionGenetics, part of Exact Sciences
Classification: Uncertain significance for NOTCH2-related condition. Last evaluated: 2024-01-31. Review status: no assertion criteria provided. Collection method: clinical testing. Allele origin: germline. Not counted in ClinVar's aggregate classification.
Comment: The NOTCH2 c.6767G>A variant is predicted to result in the amino acid substitution p.Arg2256His. This variant has been reported in an individual with congenital anomalies of the kidney and urinary tract (van der Ven et al. 2018. PubMed ID: 30143558). This variant is reported in 0.010% of alleles in individuals of East Asian descent in gnomAD. At this time, the clinical significance of this variant is uncertain due to the absence of conclusive functional and genetic evidence.

Literature cited by the submitters: PubMed 30143558 (cited by Labcorp Genetics (formerly Invitae), Labcorp).

NM_024408.4(NOTCH2):c.6767G>A (p.Arg2256His)

Gene: NOTCH2 (notch receptor 2; minus strand). Cytogenetic location: 1p12.
Variant type: single nucleotide variant.
Coding change: c.6767G>A on transcript NM_024408.4 (MANE Select); coding-DNA position 6767, G replaced by A.
Protein change: p.Arg2256His; replaces arginine 2256 with histidine.
Molecular consequence: missense variant.
Genome position (GRCh38, 1-based): chr1:119,915,955, C>T on the plus strand (G>A on the coding strand, the complement: NOTCH2 is on the minus strand). VCF-style: chr1-119915955-C-T. GRCh37 (hg19) VCF-style: chr1-120458578-C-T.
Other names: short protein forms R2256H.
Identifiers: ClinVar variation 499864 (VCV000499864.55), dbSNP rs148759277, ClinGen allele CA1039380.